The following is an entry in ClinVar:

ClinVar aggregate classification (germline): Pathogenic (1 of 4 stars; one submission).

Conditions:
Deafness-lymphedema-leukemia syndrome. Also called: Emberger syndrome; Lymphedema, primary, with myelodysplasia. Identifiers: Orphanet 3226, MedGen C3279664, MONDO:0013540, OMIM 614038.
GATA2 deficiency with susceptibility to MDS/AML. Identifiers: MedGen CN300066, MONDO:0042982.

Submission:

Molecular Pathology Research Laboratory, SA Pathology
Classification: Pathogenic for GATA2 deficiency with susceptibility to MDS/AML; Deafness-lymphedema-leukemia syndrome. Last evaluated: 2021-07-06. Review status: criteria provided, single submitter. Criteria: ACMG Guidelines, 2015. Collection method: curation. Allele origin: unknown. Inheritance: Autosomal dominant inheritance. Affected: yes. Observed: 1 variant allele.
Comment: PVS1, PS4_Supporting, PM2

Literature cited by the submitters: PubMed 28747912; PubMed 25955867.

NM_032638.5(GATA2):c.710del (p.Gly237fs)

Gene: GATA2 (GATA binding protein 2; minus strand). Cytogenetic location: 3q21.3.
Variant type: Deletion.
Coding change: c.710del on transcript NM_032638.5 (MANE Select); coding-DNA position 710, one base deleted (G; older notation c.710delG).
Protein change: p.Gly237fs; shifts the reading frame from glycine 237.
Molecular consequence: frameshift variant.
Genome position (GRCh38, 1-based): chr3:128,485,888, C deleted on the plus strand (G on the coding strand, the reverse complement: GATA2 is on the minus strand); the first of 3 consecutive C bases (chr3:128,485,888-128,485,890); deleting any one gives the same sequence. VCF-style (leftmost placement, unchanged base first): chr3-128485887-GC-G. GRCh37 (hg19) VCF-style: chr3-128204730-GC-G.
Other names: c.710del, p.Gly237fs (NM_001145661.2, NM_001145662.1); short protein forms G237fs.
Identifiers: ClinVar variation 1184230 (VCV001184230.1), dbSNP rs2107672102, ClinGen allele CA1139532792.